The following is an entry in ClinVar:

NM_000059.4(BRCA2):c.4177dup (p.Ala1393fs)

Gene: BRCA2 (BRCA2 DNA repair associated; plus strand). Cytogenetic location: 13q13.1.
Variant type: Duplication.
Coding change: c.4177dup on transcript NM_000059.4 (MANE Select); coding-DNA position 4177, one base duplicated (G; older notation c.4177dupG).
Protein change: p.Ala1393fs; shifts the reading frame from alanine 1393.
Molecular consequence: frameshift variant.
Genome position (GRCh38, 1-based): chr13:32,338,532, G duplicated. VCF-style (leftmost placement, unchanged base first): chr13-32338531-T-TG. GRCh37 (hg19) VCF-style: chr13-32912668-T-TG.
Other names: c.4177dupG (NM_000059.3); short protein forms A1393fs.
Identifiers: ClinVar variation 232764 (VCV000232764.17), dbSNP rs876659977, ClinGen allele CA10579602.
Genomic context (GRCh38, chr13:32,338,531, plus strand): 5'-TATGAAGGAGGGAAACACTCAGATTAAAGAAGATTTGTCAGATTTAACTTTTTTGGAAGT[T>TG]GCGAAAGCTCAAGAAGCATGTCATGGTAATACTTCAAATAAAGAACAGTTAACTGCTACT-3'

ClinVar aggregate classification (germline): Pathogenic. Review status: reviewed by expert panel (3 of 4 stars). 3 submissions from 3 submitters: Pathogenic (1). 2 of the submissions do not count toward it. Last evaluated 2017-12-15.

Conditions:
Hereditary cancer-predisposing syndrome. Also called: Hereditary Cancer Syndrome; Neoplastic Syndromes, Hereditary; Tumor predisposition; Hereditary neoplastic syndrome. Identifiers: Orphanet 140162, MedGen C0027672, MeSH D009386, MONDO:0015356.
Breast-ovarian cancer, familial, susceptibility to, 2 (BROVCA2). Also called: BRCA2 Hereditary Breast and Ovarian Cancer. Identifiers: Orphanet 145, MedGen C2675520, MONDO:0012933, OMIM 612555. Disease mechanism: loss of function.
Hereditary breast ovarian cancer syndrome. Also called: Hereditary breast and/or ovarian cancer syndrome; BRCA1- and BRCA2-Associated Hereditary Breast and Ovarian Cancer; Hereditary breast and ovarian cancer syndrome (HBOC); Hereditary breast and ovarian cancer; Hereditary breast and ovarian cancer syndrome; Breast and ovarian cancer. Identifiers: Orphanet 145, MedGen C0677776, MeSH D061325, MONDO:0003582. Disease mechanism: loss of function.

Allele frequency attached by ClinVar (database versions not stated): gnomAD exomes below 0.00001.

Submissions (3):

Evidence-based Network for the Interpretation of Germline Mutant Alleles (ENIGMA)
Classification: Pathogenic for Breast-ovarian cancer, familial, susceptibility to, 2. Last evaluated: 2017-12-15. Review status: reviewed by expert panel. Criteria: ENIGMA BRCA1/2 Classification Criteria (2017-06-29). Collection method: curation. Allele origin: germline. Study: ENIGMA.
Comment: Variant allele predicted to encode a truncated non-functional protein.

Labcorp Genetics (formerly Invitae), Labcorp
Classification: Pathogenic for Hereditary breast ovarian cancer syndrome. Last evaluated: 2024-04-16. Review status: criteria provided, single submitter. Criteria: Invitae Variant Classification Sherloc (09022015). Collection method: clinical testing. Allele origin: germline. Not counted in ClinVar's aggregate classification.
Comment: This sequence change creates a premature translational stop signal (p.Ala1393Glyfs*10) in the BRCA2 gene. It is expected to result in an absent or disrupted protein product. Loss-of-function variants in BRCA2 are known to be pathogenic (PMID: 20104584). This variant is not present in population databases (gnomAD no frequency). This premature translational stop signal has been observed in individual(s) with ovarian cancer (PMID: 28975465). ClinVar contains an entry for this variant (Variation ID: 232764). For these reasons, this variant has been classified as Pathogenic.

Ambry Genetics
Classification: Pathogenic for Hereditary cancer-predisposing syndrome. Last evaluated: 2015-06-24. Review status: criteria provided, single submitter. Criteria: Ambry Variant Classification Scheme 2023. Collection method: clinical testing. Allele origin: germline. Not counted in ClinVar's aggregate classification.
Comment: The c.4177dupG (also known as 4405dupG) pathogenic mutation, located in coding exon 10 of the BRCA2 gene, results from a duplication of G at nucleotide position 4177, causing a translational frameshift with a predicted alternate stop codon. Since frameshifts are typically deleterious in nature, this alteration is interpreted as a disease-causing mutation (ACMG Recommendations for Standards for Interpretation and Reporting of Sequence Variations. Revision 2007. Genet Med. 2008;10:294).

Literature cited by the submitters: PubMed 20104584 (cited by Labcorp Genetics (formerly Invitae), Labcorp); PubMed 28975465 (cited by Labcorp Genetics (formerly Invitae), Labcorp).